The following is an entry in ClinVar:

ClinVar aggregate classification (germline): Pathogenic/Likely pathogenic. Review status: criteria provided, multiple submitters, no conflicts (2 of 4 stars). 2 submissions from 2 submitters: Pathogenic (1); Likely pathogenic (1). Last evaluated 2022-08-12.

Conditions:
Inborn genetic diseases. Identifiers: MedGen C0950123, MeSH D030342.
Anemia, nonspherocytic hemolytic, due to G6PD deficiency (CNSHA1). Also called: Hemolytic anemia due to G6PD deficiency; Class I glucose-6-phosphate dehydrogenase deficiency; ANEMIA, CONGENITAL, NONSPHEROCYTIC HEMOLYTIC, 1; Favism, susceptibility to. Identifiers: Orphanet 466026, MedGen C2720289, MONDO:0010480, OMIM 300908.

Submissions (2):

Dunham Lab, University of Washington
Classification: Likely pathogenic for Anemia, nonspherocytic hemolytic, due to G6PD deficiency. Last evaluated: 2022-08-12. Review status: criteria provided, single submitter. Criteria: Bayesian ACMG Guidelines, 2018. Collection method: curation. Allele origin: unknown. Affected: yes.
Comment: Decreased activity in red blood cells (6%) (PS3). Not found in gnomAD (PM2). Reported as pathogenic by clinical testing group (PP5). Post_P 0.975 (odds of pathogenicity 350.3, Prior_P 0.1).

Ambry Genetics
Classification: Pathogenic for Inborn genetic diseases. Last evaluated: 2016-08-03. Review status: criteria provided, single submitter. Criteria: Ambry exome assertion method (8-5-2015). Collection method: clinical testing. Allele origin: germline. Affected: yes. Observed: 1 variant allele.

Literature cited by the submitters: PubMed 27408423 (cited by Dunham Lab, University of Washington).

NM_001360016.2(G6PD):c.1088A>T (p.Asn363Ile)

Gene: G6PD (glucose-6-phosphate dehydrogenase; minus strand). Cytogenetic location: Xq28.
Variant type: single nucleotide variant.
Coding change: c.1088A>T on transcript NM_001360016.2 (MANE Select); coding-DNA position 1088, A replaced by T.
Protein change: p.Asn363Ile; replaces asparagine 363 with isoleucine.
Molecular consequence: missense variant.
Genome position (GRCh38, 1-based): chrX:154,532,766, T>A on the plus strand (A>T on the coding strand, the complement: G6PD is on the minus strand). VCF-style: chrX-154532766-T-A. GRCh37 (hg19) VCF-style: chrX-153760981-T-A.
Other names: c.1178A>T, p.Asn393Ile (NM_000402.4); c.1088A>T, p.Asn363Ile (NM_001042351.3); short protein forms N363I, N393I.
Identifiers: ClinVar variation 521308 (VCV000521308.6), dbSNP rs1557229736, ClinGen allele CA415234253.